The following is an entry in ClinVar:

NM_021620.4(PRDM13):c.1502G>A (p.Gly501Glu)

Gene: PRDM13 (PR/SET domain 13; plus strand). Cytogenetic location: 6q16.2.
Variant type: single nucleotide variant.
Coding change: c.1502G>A on transcript NM_021620.4 (MANE Select); coding-DNA position 1502, G replaced by A.
Protein change: p.Gly501Glu; replaces glycine 501 with glutamic acid.
Molecular consequence: missense variant.
Genome position (GRCh38, 1-based): chr6:99,614,137, G>A. VCF-style: chr6-99614137-G-A. GRCh37 (hg19) VCF-style: chr6-100062013-G-A.
Other names: short protein forms G501E.
Identifiers: ClinVar variation 1039995 (VCV001039995.8), dbSNP rs939912270, ClinGen allele CA143975925.

ClinVar aggregate classification (germline): Uncertain significance (1 of 4 stars; one submission).

Allele frequency attached by ClinVar (database versions not stated): gnomAD exomes below 0.00001.
gnomAD v4.1: 2 of 1,598,560 alleles (0.00013%); highest among the groups gnomAD compares: Non-Finnish European, 0.00017%; no homozygotes.

Submission:

Labcorp Genetics (formerly Invitae), Labcorp
Classification: Uncertain significance. Last evaluated: 2024-11-19. Review status: criteria provided, single submitter. Criteria: Invitae Variant Classification Sherloc (09022015). Collection method: clinical testing. Allele origin: germline.
Comment: This sequence change replaces glycine, which is neutral and non-polar, with glutamic acid, which is acidic and polar, at codon 501 of the PRDM13 protein (p.Gly501Glu). This variant is present in population databases (no rsID available, gnomAD 0.001%). This variant has not been reported in the literature in individuals affected with PRDM13-related conditions. ClinVar contains an entry for this variant (Variation ID: 1039995). An algorithm developed to predict the effect of missense changes on protein structure and function (PolyPhen-2) suggests that this variant is likely to be disruptive. In summary, the available evidence is currently insufficient to determine the role of this variant in disease. Therefore, it has been classified as a Variant of Uncertain Significance.